The following is an entry in ClinVar:

NM_020639.3(RIPK4):c.2214G>A (p.Ala738=)

Gene: RIPK4 (receptor interacting serine/threonine kinase 4; minus strand). Cytogenetic location: 21q22.3.
Variant type: single nucleotide variant.
Coding change: c.2214G>A on transcript NM_020639.3 (MANE Select); coding-DNA position 2214, G replaced by A.
Protein change: p.Ala738=; no amino-acid change (alanine 738 retained).
Molecular consequence: synonymous variant.
Genome position (GRCh38, 1-based): chr21:41,740,979, C>T on the plus strand (G>A on the coding strand, the complement: RIPK4 is on the minus strand). VCF-style: chr21-41740979-C-T. GRCh37 (hg19) VCF-style: chr21-43161139-C-T.
Identifiers: ClinVar variation 790227 (VCV000790227.6), dbSNP rs150704061, ClinGen allele CA10035098.

ClinVar aggregate classification (germline): Benign/Likely benign. Review status: criteria provided, multiple submitters, no conflicts (2 of 4 stars). 3 submissions from 3 submitters: Benign (1); Likely benign (1). 1 of the submissions does not count toward it. Last evaluated 2024-08-30.

Conditions:
RIPK4-related disorder. Also called: RIPK4-related condition.

Allele frequency attached by ClinVar (database versions not stated): gnomAD exomes 0.00058; ExAC 0.00072; 1000 Genomes Project 0.00140; 1000 Genomes Project 30x 0.00156; gnomAD 0.00273 and 0.00300; TOPMed 0.00316; ESP Exome Variant Server 0.00323.

Submissions (3):

Blueprint Genetics
Classification: Likely benign. Last evaluated: 2024-08-30. Review status: criteria provided, single submitter. Criteria: ACMG Guidelines, 2015. Collection method: clinical testing. Allele origin: germline.

Labcorp Genetics (formerly Invitae), Labcorp
Classification: Benign. Last evaluated: 2018-11-09. Review status: criteria provided, single submitter. Criteria: Invitae Variant Classification Sherloc (09022015). Collection method: clinical testing. Allele origin: germline.

PreventionGenetics, part of Exact Sciences
Classification: Benign for RIPK4-related condition. Last evaluated: 2019-07-09. Review status: no assertion criteria provided. Collection method: clinical testing. Allele origin: germline. Not counted in ClinVar's aggregate classification.
Comment: This variant is classified as benign based on ACMG/AMP sequence variant interpretation guidelines (Richards et al. 2015 PMID: 25741868, with internal and published modifications).